The following is an entry in ClinVar:

ClinVar aggregate classification (germline): Conflicting classifications of pathogenicity. Review status: criteria provided, conflicting classifications (1 of 4 stars). 2 submissions from 2 submitters: Likely pathogenic (1); Uncertain significance (1). Last evaluated 2024-02-27.

Conditions:
Congenital diarrhea 5 with tufting enteropathy. Also called: INTESTINAL EPITHELIAL CELL DYSPLASIA; Congenital tufting enteropathy. Identifiers: Orphanet 92050, MedGen C2750737, MONDO:0013184, OMIM 613217.

gnomAD v4.1: 4 of 1,614,144 alleles (0.00025%); highest among the groups gnomAD compares: Non-Finnish European, 0.00034%; no homozygotes.

Submissions (2):

Service de Génétique Médicale, Centre Hospitalier Universitaire de Nice-Université Côte d'Azur
Classification: Likely pathogenic for Congenital diarrhea 5 with tufting enteropathy. Last evaluated: 2024-02-27. Review status: criteria provided, single submitter. Criteria: ACMG Guidelines, 2015. Collection method: clinical testing. Allele origin: germline. Affected: yes.

GeneDx
Classification: Uncertain significance. Last evaluated: 2023-08-02. Review status: criteria provided, single submitter. Criteria: GeneDx Variant Classification Process June 2021. Collection method: clinical testing. Allele origin: germline. Affected: yes.
Comment: Not observed at significant frequency in large population cohorts (gnomAD); In silico analysis supports that this missense variant has a deleterious effect on protein structure/function; Has not been previously published as pathogenic or benign to our knowledge

Literature cited by the submitters: PubMed 38703036 (cited by Service de Génétique Médicale, Centre Hospitalier Universitaire de Nice-Université Côte d'Azur).

NM_002354.3(EPCAM):c.347G>A (p.Cys116Tyr)

Gene: EPCAM (epithelial cell adhesion molecule; plus strand). Cytogenetic location: 2p21.
Variant type: single nucleotide variant.
Coding change: c.347G>A on transcript NM_002354.3 (MANE Select); coding-DNA position 347, G replaced by A.
Protein change: p.Cys116Tyr; replaces cysteine 116 with tyrosine.
Molecular consequence: missense variant.
Genome position (GRCh38, 1-based): chr2:47,373,970, G>A. VCF-style: chr2-47373970-G-A. GRCh37 (hg19) VCF-style: chr2-47601109-G-A.
Other names: short protein forms C116Y.
Identifiers: ClinVar variation 3361565 (VCV003361565.2).
Genomic context (GRCh38, chr2:47,373,970, plus strand): 5'-ATCCTGACTGCGATGAGAGCGGGCTCTTTAAGGCCAAGCAGTGCAACGGCACCTCCATGT[G>A]CTGGTGTGTGAACACTGCTGGGGTCAGAAGAACAGACAAGGACACTGAAATAACCTGCTC-3'
Protein context (NP_002345.2, residues 106-126): KAKQCNGTSM[Cys116Tyr]WCVNTAGVRR